The following is an entry in ClinVar:

ClinVar aggregate classification (germline): Likely benign. Review status: criteria provided, multiple submitters, no conflicts (2 of 4 stars). 2 submissions from 2 submitters: Likely benign (2). Last evaluated 2026-04-30.

Conditions:
Autosomal recessive polycystic kidney disease (ARPKD). Also called: AR polycystic kidney disease. Identifiers: Orphanet 731, Orphanet 8378, MedGen C0085548, MeSH D017044, MONDO:0009889.
PKHD1-related disorder. Also called: PKHD1-related condition.

gnomAD v4.1: 1 of 1,611,076 alleles (0.000062%); highest among the groups gnomAD compares: African/African-American, 0.0013%; no homozygotes.

Submissions (2):

PreventionGenetics, part of Exact Sciences
Classification: Likely benign for PKHD1-related condition. Last evaluated: 2026-04-30. Review status: criteria provided, single submitter. Criteria: ACMG Guidelines, 2015. Collection method: clinical testing. Allele origin: germline.
Comment: This variant is classified as likely benign based on ACMG/AMP sequence variant interpretation guidelines (Richards et al. 2015 PMID: 25741868, with internal and published modifications).

Labcorp Genetics (formerly Invitae), Labcorp
Classification: Likely benign for Autosomal recessive polycystic kidney disease. Last evaluated: 2023-12-18. Review status: criteria provided, single submitter. Criteria: Invitae Variant Classification Sherloc (09022015). Collection method: clinical testing. Allele origin: germline.

NM_138694.4(PKHD1):c.6756G>T (p.Leu2252=)

Gene: PKHD1 (PKHD1 ciliary IPT domain containing fibrocystin/polyductin; minus strand). Cytogenetic location: 6p12.2.
Variant type: single nucleotide variant.
Coding change: c.6756G>T on transcript NM_138694.4 (MANE Select); coding-DNA position 6756, G replaced by T.
Protein change: p.Leu2252=; no amino-acid change (leucine 2252 retained).
Molecular consequence: synonymous variant.
Genome position (GRCh38, 1-based): chr6:51,906,267, C>A on the plus strand (G>T on the coding strand, the complement: PKHD1 is on the minus strand). VCF-style: chr6-51906267-C-A. GRCh37 (hg19) VCF-style: chr6-51771065-C-A.
Other names: c.6756G>T (NM_138694.3); c.6756G>T, p.Leu2252= (NM_170724.3).
Identifiers: ClinVar variation 1616476 (VCV001616476.9), dbSNP rs368194577, ClinGen allele CA450415454.
Genomic context (GRCh38, chr6:51,906,267, plus strand): 5'-TTACTTACCAACTAGCAGCGCATGACCTAAAATATTGTAGAATACATTACTGTCCACCTT[C>A]AGGCCCAAGGTCCCGCACATGCTGAGGCCTCTACTGAAGGAGTTCCTCACTGTGCAGCCC-3'
Protein context (NP_619639.3, residues 2242-2262): RGLSMCGTLG[Leu2252=]KVDSNVFYNI